The following is an entry in ClinVar:

NM_004006.3(DMD):c.7429C>T (p.Arg2477Trp)

Gene: DMD (dystrophin; minus strand). Cytogenetic location: Xp21.1.
Variant type: single nucleotide variant.
Coding change: c.7429C>T on transcript NM_004006.3 (MANE Select); coding-DNA position 7429, C replaced by T.
Protein change: p.Arg2477Trp; replaces arginine 2477 with tryptophan.
Molecular consequence: missense variant.
Genome position (GRCh38, 1-based): chrX:31,774,073, G>A on the plus strand (C>T on the coding strand, the complement: DMD is on the minus strand). VCF-style: chrX-31774073-G-A. GRCh37 (hg19) VCF-style: chrX-31792190-G-A.
Other names: c.7405C>T, p.Arg2469Trp (NM_000109.4); c.7417C>T, p.Arg2473Trp (NM_004009.3); c.7060C>T, p.Arg2354Trp (NM_004010.3); c.3406C>T, p.Arg1136Trp (NM_004011.4); c.3397C>T, p.Arg1133Trp (NM_004012.4); c.49C>T, p.Arg17Trp (NM_004013.3, NM_004020.4, NM_004021.3 and 2 more transcripts); short protein forms R2477W, R1136W, R2354W, R1133W, R2473W, R17W, R2469W.
Identifiers: ClinVar variation 264219 (VCV000264219.12), dbSNP rs759274835, ClinGen allele CA10378279.
Genomic context (GRCh38, chrX:31,774,073, plus strand): 5'-TCTGTGATTTTATAACTTGATCAAGCAGAGAAAGCCAGTCGGTAAGTTCTGTCCAAGCCC[G>A]GTTGAAATCTGCCAGAGCAGGTACCTCCAACATCAAGGAAGATGGCATTTCTAGTTTGGA-3'
Protein context (NP_003997.2, residues 2467-2487): LEVPALADFN[Arg2477Trp]AWTELTDWLS

ClinVar aggregate classification (germline): Conflicting classifications of pathogenicity. Review status: criteria provided, conflicting classifications (1 of 4 stars). 4 submissions from 4 submitters: Uncertain significance (2); Likely benign (1). 1 of the submissions does not count toward it. Last evaluated 2025-04-02.

Conditions:
Cardiovascular phenotype. Identifiers: MedGen CN230736.
Cardiomyopathy (CMYO). Also called: Cardiomyopathies. Identifiers: Orphanet 167848, MedGen C0878544, MONDO:0004994, HP:0001638. Inheritance: Various modes of inheritance.
Becker muscular dystrophy (BMD). Also called: MUSCULAR DYSTROPHY, PSEUDOHYPERTROPHIC PROGRESSIVE, BECKER TYPE; Becker Muscular Dystrophy (BMD). Identifiers: Orphanet 98895, MedGen C0917713, MONDO:0010311, OMIM 300376.
Duchenne muscular dystrophy (DMD). Also called: Duchenne Muscular Dystrophy (DMD); MUSCULAR DYSTROPHY, PSEUDOHYPERTROPHIC PROGRESSIVE, DUCHENNE TYPE. Identifiers: Orphanet 98896, MedGen C0013264, MONDO:0010679, OMIM 310200.
Dystrophin deficiency.
Dilated cardiomyopathy 3B (CMD3B). Also called: CMD3B: DMD-Related Dilated Cardiomyopathy; CARDIOMYOPATHY, DILATED, X-LINKED; DMD-Associated Dilated Cardiomyopathy. Identifiers: Orphanet 154, MedGen C3668940, MONDO:0010542, OMIM 302045.

Allele frequency attached by ClinVar (database versions not stated): TOPMed 0.00003; gnomAD exomes 0.00004 and 0.00001; ExAC 0.00006; 1000 Genomes Project 30x 0.00021; 1000 Genomes Project 0.00026; gnomAD 0.00002 and 0.00003.
gnomAD v4.1: 14 of 1,208,181 alleles (0.0012%); highest among the groups gnomAD compares: Middle Eastern, 0.023%; no homozygotes.

Submissions (4):

Labcorp Genetics (formerly Invitae), Labcorp
Classification: Likely benign for Duchenne muscular dystrophy. Last evaluated: 2025-04-02. Review status: criteria provided, single submitter. Criteria: Invitae Variant Classification Sherloc (09022015). Collection method: clinical testing. Allele origin: germline.

Ambry Genetics
Classification: Uncertain significance for Cardiovascular phenotype. Last evaluated: 2024-09-13. Review status: criteria provided, single submitter. Criteria: Ambry Variant Classification Scheme 2023. Collection method: clinical testing. Allele origin: germline.
Comment: The p.R2477W variant (also known as c.7429C>T), located in coding exon 51 of the DMD gene, results from a C to T substitution at nucleotide position 7429. The arginine at codon 2477 is replaced by tryptophan, an amino acid with dissimilar properties. Based on data from gnomAD, the T allele has an overall frequency of 0.0044% (8/183223) total alleles studied, with 2 hemizygote(s) observed. The highest observed frequency was 0.0361% (5/13856) of East Asian alleles. This amino acid position is not well conserved in available vertebrate species. In addition, this alteration is predicted to be tolerated by in silico analysis. Based on the available evidence, the clinical significance of this variant remains unclear.

Fulgent Genetics
Classification: Uncertain significance for Becker muscular dystrophy; Dilated cardiomyopathy 3B; Duchenne muscular dystrophy. Last evaluated: 2021-07-17. Review status: criteria provided, single submitter. Criteria: ACMG Guidelines, 2015. Collection method: clinical testing. Allele origin: unknown.

Natera, Inc.
Classification: Uncertain significance for Becker muscular dystrophy; Cardiomyopathy; Duchenne muscular dystrophy; Dystrophin deficiency. Last evaluated: 2020-06-25. Review status: no assertion criteria provided. Collection method: clinical testing. Allele origin: germline. Not counted in ClinVar's aggregate classification.